The following is an entry in ClinVar:

ClinVar aggregate classification (germline): Benign. Review status: criteria provided, multiple submitters, no conflicts (2 of 4 stars). 8 submissions from 7 submitters: Benign (8). Last evaluated 2026-02-01.

Conditions:
Charcot-Marie-Tooth disease axonal type 2L. Also called: Charcot-Marie-Tooth Neuropathy Type 2L; CHARCOT-MARIE-TOOTH DISEASE, AXONAL, AUTOSOMAL DOMINANT, TYPE 2L; CHARCOT-MARIE-TOOTH NEUROPATHY, AXONAL, TYPE 2L. Identifiers: Orphanet 99945, MedGen C1837552, MONDO:0012096, OMIM 608673.
Neuronopathy, distal hereditary motor, type 2A. Also called: CHARCOT-MARIE-TOOTH DISEASE, SPINAL, IIA; NEURONOPATHY, DISTAL HEREDITARY MOTOR, AUTOSOMAL DOMINANT 2; NEURONOPATHY, DISTAL HEREDITARY MOTOR, HARDING TYPE IIA; NEUROPATHY, DISTAL HEREDITARY MOTOR, HARDING TYPE IIA; SPINAL MUSCULAR ATROPHY, DISTAL, ADULT, AUTOSOMAL DOMINANT, HARDING TYPE IIA; HMN IIA. Identifiers: Orphanet 139525, MedGen C1834692, MONDO:0008025, OMIM 158590.

Allele frequency attached by ClinVar (database versions not stated): gnomAD exomes 0.00387; ExAC 0.00464; 1000 Genomes Project 0.01178; 1000 Genomes Project 30x 0.01343; gnomAD 0.01399 and 0.01515; ESP Exome Variant Server 0.01615; TOPMed 0.01658.
gnomAD v4.1: 4,489 of 1,614,148 alleles (0.28%); highest among the groups gnomAD compares: African/African-American, 4.9%; 106 homozygotes.

Submissions (8):

Labcorp Genetics (formerly Invitae), Labcorp
Classification: Benign for Charcot-Marie-Tooth disease axonal type 2L. Last evaluated: 2026-02-01. Review status: criteria provided, single submitter. Criteria: Invitae Variant Classification Sherloc (09022015). Collection method: clinical testing. Allele origin: germline.

ARUP Laboratories, Molecular Genetics and Genomics, ARUP Laboratories
Classification: Benign. Last evaluated: 2023-10-30. Review status: criteria provided, single submitter. Criteria: ARUP Molecular Germline Variant Investigation Process 2024. Collection method: clinical testing. Allele origin: germline.

Illumina Laboratory Services, Illumina
Classification: Benign for Charcot-Marie-Tooth disease axonal type 2L. Last evaluated: 2018-01-13. Review status: criteria provided, single submitter. Criteria: ICSL Variant Classification Criteria 13 December 2019. Collection method: clinical testing. Allele origin: germline.
Comment: This variant was observed in the ICSL laboratory as part of a predisposition screen in an ostensibly healthy population. It had not been previously curated by ICSL or reported in the Human Gene Mutation Database (HGMD: prior to June 1st, 2018), and was therefore a candidate for classification through an automated scoring system. Utilizing variant allele frequency, disease prevalence and penetrance estimates, and inheritance mode, an automated score was calculated to assess if this variant is too frequent to cause the disease. Based on the score and internal cut-off values, a variant classified as benign is not then subjected to further curation. The score for this variant resulted in a classification of benign for this disease.

Illumina Laboratory Services, Illumina
Classification: Benign for Neuronopathy, distal hereditary motor, type 2A. Last evaluated: 2018-01-13. Review status: criteria provided, single submitter. Criteria: ICSL Variant Classification Criteria 13 December 2019. Collection method: clinical testing. Allele origin: germline.
Comment: the same text as in the submission from Illumina Laboratory Services, Illumina above.

Athena Diagnostics
Classification: Benign. Last evaluated: 2017-08-09. Review status: criteria provided, single submitter. Criteria: Athena Diagnostics Criteria. Collection method: clinical testing. Allele origin: germline.

Mayo Clinic Laboratories, Mayo Clinic
Classification: Benign. Last evaluated: 2016-11-11. Review status: criteria provided, single submitter. Criteria: ACMG Guidelines, 2015. Collection method: clinical testing. Allele origin: germline. Observed: 13 variant alleles.

GeneDx
Classification: Benign. Last evaluated: 2015-05-20. Review status: criteria provided, single submitter. Criteria: GeneDx Variant Classification (06012015). Collection method: clinical testing. Allele origin: germline. Affected: yes.
Comment: This variant is considered likely benign or benign based on one or more of the following criteria: it is a conservative change, it occurs at a poorly conserved position in the protein, it is predicted to be benign by multiple in silico algorithms, and/or has population frequency not consistent with disease.

Breakthrough Genomics
Classification: Benign. Review status: criteria provided, single submitter. Criteria: ACMG Guidelines, 2015. Collection method: not provided. Allele origin: germline. Inheritance: Autosomal dominant inheritance. Affected: yes.

NM_014365.3(HSPB8):c.552C>T (p.Asn184=)

Gene: HSPB8 (heat shock protein family B (small) member 8; plus strand). Cytogenetic location: 12q24.23.
Variant type: single nucleotide variant.
Coding change: c.552C>T on transcript NM_014365.3 (MANE Select); coding-DNA position 552, C replaced by T.
Protein change: p.Asn184=; no amino-acid change (asparagine 184 retained).
Molecular consequence: synonymous variant.
Genome position (GRCh38, 1-based): chr12:119,193,819, C>T. VCF-style: chr12-119193819-C-T. GRCh37 (hg19) VCF-style: chr12-119631624-C-T.
Other names: p.Asn184=.
Identifiers: ClinVar variation 307419 (VCV000307419.25), dbSNP rs112052602, ClinGen allele CA6819626.